The following is an entry in ClinVar:

ClinVar aggregate classification (germline): Benign (3 of 4 stars; one submission).

Conditions:
Breast-ovarian cancer, familial, susceptibility to, 1 (BROVCA1). Also called: BRCA1 Hereditary Breast and Ovarian Cancer; OVARIAN CANCER, SUSCEPTIBILITY TO. Identifiers: Orphanet 145, MedGen C2676676, MONDO:0011450, OMIM 604370. Disease mechanism: loss of function.

Allele frequency attached by ClinVar (database versions not stated): gnomAD 0.13538 and 0.14342; 1000 Genomes Project 0.14736; TOPMed 0.15104; 1000 Genomes Project 30x 0.15459.
gnomAD v4.1: 20,311 of 151,656 alleles (13%); highest among the groups gnomAD compares: African/African-American, 45%; 4,289 homozygotes.

Submission:

Evidence-based Network for the Interpretation of Germline Mutant Alleles (ENIGMA)
Classification: Benign for Breast-ovarian cancer, familial 1. Last evaluated: 2015-01-12. Review status: reviewed by expert panel. Criteria: ENIGMA BRCA1/2 Classification Criteria (2015). Collection method: curation. Allele origin: germline.
Comment: Class 1 not pathogenic based on frequency >1% in an outbred sampleset. Frequency 0.4919 (African), derived from 1000 genomes (2012-04-30).

NM_007294.4(BRCA1):c.5278-2587C>T

Gene: BRCA1 (BRCA1 DNA repair associated; minus strand). Cytogenetic location: 17q21.31.
Variant type: single nucleotide variant.
Coding change: c.5278-2587C>T on transcript NM_007294.4 (MANE Select); 2587 bases into the intron before coding-DNA position 5278, C replaced by T.
Molecular consequence: intron variant.
Genome position (GRCh38, 1-based): chr17:43,053,704, G>A on the plus strand (C>T on the coding strand, the complement: BRCA1 is on the minus strand). VCF-style: chr17-43053704-G-A. GRCh37 (hg19) VCF-style: chr17-41205721-G-A.
Other names: IVS 20-2587C>T; c.1825-2587C>T (NM_001408458.1, NM_001408461.1, NM_001408464.1 and 7 more transcripts); c.4387-2587C>T (NM_001407967.1); c.4897-2587C>T (NM_001407959.1); c.5011-2587C>T (NM_001407931.1, NM_001407932.1, NM_001407928.1 and 4 more transcripts); c.5134-2587C>T (NM_001407747.1, NM_001407745.1, NM_001407737.1 and 21 more transcripts); c.4894-2587C>T (NM_001407962.1, NM_001407960.1); c.1465-2587C>T (NM_001408512.1); and 75 more.
Identifiers: ClinVar variation 209276 (VCV000209276.2), dbSNP rs6503725, ClinGen allele CA276248.
Genomic context (GRCh38, chr17:43,053,704, plus strand): 5'-GTGACATAGCGAGACTCTGTCTCAAAAAAAAAAAGAAATTTGAAGTTTCAGGCCGGGCGC[G>A]GTGGCCTGTAATCCTAGCACTTTGGGAGGCCGAGGTGGGTGGATCACTTGGGGTCGGGAG-3'